The following is an entry in ClinVar:

NM_153033.5(KCTD7):c.681A>T (p.Glu227Asp)

Gene: KCTD7 (potassium channel tetramerization domain containing 7; plus strand). Cytogenetic location: 7q11.21.
Variant type: single nucleotide variant.
Coding change: c.681A>T on transcript NM_153033.5 (MANE Select); coding-DNA position 681, A replaced by T.
Protein change: p.Glu227Asp; replaces glutamic acid 227 with aspartic acid.
Molecular consequence: missense variant.
Genome position (GRCh38, 1-based): chr7:66,639,043, A>T. VCF-style: chr7-66639043-A-T. GRCh37 (hg19) VCF-style: chr7-66104030-A-T.
Other names: c.681A>T, p.Glu227Asp (NM_001167961.2); short protein forms E227D.
Identifiers: ClinVar variation 2177648 (VCV002177648.4), dbSNP rs2116775477, ClinGen allele CA367697226.

ClinVar aggregate classification (germline): Uncertain significance (1 of 4 stars; one submission).

Conditions:
Progressive myoclonic epilepsy type 3. Also called: EPILEPSY, PROGRESSIVE MYOCLONIC, 3, WITH OR WITHOUT INTRACELLULAR INCLUSIONS; CEROID LIPOFUSCINOSIS, NEURONAL, 14; KCTD7-Related Progressive Myoclonic Epilepsy; EPILEPSY, PROGRESSIVE MYOCLONIC, 3, WITHOUT INTRACELLULAR INCLUSIONS. Identifiers: Orphanet 263516, MedGen C2673257, MONDO:0012721, OMIM 611726.

Submission:

Labcorp Genetics (formerly Invitae), Labcorp
Classification: Uncertain significance for Progressive myoclonic epilepsy type 3. Last evaluated: 2022-02-03. Review status: criteria provided, single submitter. Criteria: Invitae Variant Classification Sherloc (09022015). Collection method: clinical testing. Allele origin: germline.
Comment: In summary, the available evidence is currently insufficient to determine the role of this variant in disease. Therefore, it has been classified as a Variant of Uncertain Significance. Algorithms developed to predict the effect of missense changes on protein structure and function (SIFT, PolyPhen-2, Align-GVGD) all suggest that this variant is likely to be tolerated. This variant has not been reported in the literature in individuals affected with KCTD7-related conditions. This variant is not present in population databases (gnomAD no frequency). This sequence change replaces glutamic acid, which is acidic and polar, with aspartic acid, which is acidic and polar, at codon 227 of the KCTD7 protein (p.Glu227Asp).